The following is an entry in ClinVar:

NM_006567.5(FARS2):c.772+24C>T

Gene: FARS2 (phenylalanyl-tRNA synthetase 2, mitochondrial; plus strand). Cytogenetic location: 6p25.1.
Variant type: single nucleotide variant.
Coding change: c.772+24C>T on transcript NM_006567.5 (MANE Select); 24 bases into the intron after coding-DNA position 772, C replaced by T.
Molecular consequence: intron variant.
Genome position (GRCh38, 1-based): chr6:5,404,725, C>T. VCF-style: chr6-5404725-C-T. GRCh37 (hg19) VCF-style: chr6-5404958-C-T.
Other names: c.772+24C>T (NM_001374878.1, NM_001318872.2, NM_001374877.1 and 5 more transcripts); c.76+24C>T (NM_001375260.1, NM_001375259.1).
Identifiers: ClinVar variation 1236007 (VCV001236007.5), dbSNP rs7759327, ClinGen allele CA3623734.

ClinVar aggregate classification (germline): Benign. Review status: criteria provided, multiple submitters, no conflicts (2 of 4 stars). 2 submissions from 2 submitters: Benign (2). Last evaluated 2024-07-31.

Allele frequency attached by ClinVar (database versions not stated): gnomAD exomes 0.07687; ESP Exome Variant Server 0.07750; ExAC 0.07960; gnomAD 0.08136 and 0.08213; TOPMed 0.08931; 1000 Genomes Project 30x 0.09447; 1000 Genomes Project 0.09505.
gnomAD v4.1: 101,675 of 1,491,830 alleles (6.8%); highest among the groups gnomAD compares: Admixed American, 12%; 4,071 homozygotes.

Submissions (2):

Unidad de Genómica Garrahan, Hospital de Pediatría Garrahan
Classification: Benign. Last evaluated: 2024-07-31. Review status: criteria provided, single submitter. Criteria: ACMG Guidelines, 2015. Collection method: clinical testing. Allele origin: germline. Affected: no. Observed: 26 variant alleles.
Comment: This variant is classified as Benign based on local population frequency. This variant was detected in 28% of patients studied in a panel designed for Epileptic and Developmental Encephalopathy, Progressive Myoclonus Epilepsy and Abnormal Movements and Neurodegeneration with brain iron accumulation. Number of patients: 26. Only high quality variants are reported.

GeneDx
Classification: Benign. Last evaluated: 2018-06-23. Review status: criteria provided, single submitter. Criteria: GeneDx Variant Classification Process June 2021. Collection method: clinical testing. Allele origin: germline. Affected: yes.